The following is an entry in ClinVar:

NM_004548.3(NDUFB10):c.142C>T (p.Arg48Trp)

Gene: NDUFB10 (NADH:ubiquinone oxidoreductase subunit B10; plus strand). Cytogenetic location: 16p13.3.
Variant type: single nucleotide variant.
Coding change: c.142C>T on transcript NM_004548.3 (MANE Select); coding-DNA position 142, C replaced by T.
Protein change: p.Arg48Trp; replaces arginine 48 with tryptophan.
Molecular consequence: missense variant.
Genome position (GRCh38, 1-based): chr16:1,961,164, C>T. VCF-style: chr16-1961164-C-T. GRCh37 (hg19) VCF-style: chr16-2011165-C-T.
Other names: short protein forms R48W.
Identifiers: ClinVar variation 2034269 (VCV002034269.4), dbSNP rs761010309, ClinGen allele CA7823255.

ClinVar aggregate classification (germline): Uncertain significance (1 of 4 stars; one submission).

Allele frequency attached by ClinVar (database versions not stated): gnomAD exomes 0.00001.
gnomAD v4.1: 16 of 1,613,912 alleles (0.00099%); highest among the groups gnomAD compares: African/African-American, 0.0013%; no homozygotes.

Submission:

Labcorp Genetics (formerly Invitae), Labcorp
Classification: Uncertain significance. Last evaluated: 2025-08-11. Review status: criteria provided, single submitter. Criteria: Invitae Variant Classification Sherloc (09022015). Collection method: clinical testing. Allele origin: germline.
Comment: This sequence change replaces arginine, which is basic and polar, with tryptophan, which is neutral and slightly polar, at codon 48 of the NDUFB10 protein (p.Arg48Trp). This variant is present in population databases (rs761010309, gnomAD 0.003%). This variant has not been reported in the literature in individuals affected with NDUFB10-related conditions. ClinVar contains an entry for this variant (Variation ID: 2034269). An algorithm developed to predict the effect of missense changes on protein structure and function (PolyPhen-2) suggests that this variant is likely to be tolerated. In summary, the available evidence is currently insufficient to determine the role of this variant in disease. Therefore, it has been classified as a Variant of Uncertain Significance.